The following is an entry in ClinVar:

NM_005045.4(RELN):c.707A>G (p.His236Arg)

Gene: RELN (reelin; minus strand). Cytogenetic location: 7q22.1.
Variant type: single nucleotide variant.
Coding change: c.707A>G on transcript NM_005045.4 (MANE Select); coding-DNA position 707, A replaced by G.
Protein change: p.His236Arg; replaces histidine 236 with arginine.
Molecular consequence: missense variant.
Genome position (GRCh38, 1-based): chr7:103,728,157, T>C on the plus strand (A>G on the coding strand, the complement: RELN is on the minus strand). VCF-style: chr7-103728157-T-C. GRCh37 (hg19) VCF-style: chr7-103368604-T-C.
Other names: c.707A>G, p.His236Arg (NM_173054.3); short protein forms H236R.
Identifiers: ClinVar variation 857423 (VCV000857423.12), dbSNP rs771005621, ClinGen allele CA163887011.

ClinVar aggregate classification (germline): Uncertain significance. Review status: criteria provided, multiple submitters, no conflicts (2 of 4 stars). 2 submissions from 2 submitters: Uncertain significance (2). Last evaluated 2024-09-22.

Conditions:
Familial temporal lobe epilepsy 7. Identifiers: Orphanet 101046, MedGen C4225327, MONDO:0014639, OMIM 616436.
Norman-Roberts syndrome (LIS2). Also called: Lissencephaly 2 (Norman-Roberts type). Identifiers: Orphanet 89844, MedGen C0796089, MONDO:0009760, OMIM 257320.

Allele frequency attached by ClinVar (database versions not stated): TOPMed below 0.00001; gnomAD 0.00001; gnomAD exomes 0.00003.
gnomAD v4.1: 41 of 1,613,770 alleles (0.0025%); highest among the groups gnomAD compares: Non-Finnish European, 0.0033%; no homozygotes.

Submissions (2):

Labcorp Genetics (formerly Invitae), Labcorp
Classification: Uncertain significance for Familial temporal lobe epilepsy 7; Norman-Roberts syndrome. Last evaluated: 2024-09-22. Review status: criteria provided, single submitter. Criteria: Invitae Variant Classification Sherloc (09022015). Collection method: clinical testing. Allele origin: germline.
Comment: This sequence change replaces histidine, which is basic and polar, with arginine, which is basic and polar, at codon 236 of the RELN protein (p.His236Arg). This variant is not present in population databases (gnomAD no frequency). This variant has not been reported in the literature in individuals affected with RELN-related conditions. ClinVar contains an entry for this variant (Variation ID: 857423). Invitae Evidence Modeling of protein sequence and biophysical properties (such as structural, functional, and spatial information, amino acid conservation, physicochemical variation, residue mobility, and thermodynamic stability) indicates that this missense variant is not expected to disrupt RELN protein function with a negative predictive value of 80%. In summary, the available evidence is currently insufficient to determine the role of this variant in disease. Therefore, it has been classified as a Variant of Uncertain Significance.

ARUP Laboratories, Molecular Genetics and Genomics, ARUP Laboratories
Classification: Uncertain significance. Last evaluated: 2024-03-07. Review status: criteria provided, single submitter. Criteria: ARUP Molecular Germline Variant Investigation Process 2024. Collection method: clinical testing. Allele origin: germline.